The following is an entry in ClinVar:

ClinVar aggregate classification (germline): Conflicting classifications of pathogenicity. Review status: criteria provided, conflicting classifications (1 of 4 stars). 6 submissions from 6 submitters: Uncertain significance (4); Likely benign (2). Last evaluated 2026-08-11.

Conditions:
Brugada syndrome 3 (BRGDA3). Identifiers: Orphanet 130, MedGen C2678478, MONDO:0012742, OMIM 611875.
Timothy syndrome (TS). Also called: LONG QT SYNDROME WITH SYNDACTYLY. Identifiers: Orphanet 65283, MedGen C1832916, MeSH C536962, MONDO:0010979, OMIM 601005.
Long QT syndrome 8. Identifiers: MedGen CN260585, MONDO:0032756, OMIM 618447.
Cardiovascular phenotype. Identifiers: MedGen CN230736.
Long QT syndrome (LQTS). Identifiers: MedGen C0023976, MeSH D008133, MONDO:0002442. Disease mechanism: loss of function. Inheritance: Various modes of inheritance.
CACNA1C-related disorder. Also called: CACNA1C-related condition; CACNA1C-related disorders. Identifiers: MedGen CN381092, MONDO:0700321.

Allele frequency attached by ClinVar (database versions not stated): gnomAD 0.00001; TOPMed 0.00002; gnomAD exomes 0.00003; ExAC 0.00005; ESP Exome Variant Server 0.00008.
gnomAD v4.1: 43 of 1,590,356 alleles (0.0027%); highest among the groups gnomAD compares: Non-Finnish European, 0.0035%; no homozygotes.

Submissions (6):

PreventionGenetics, part of Exact Sciences
Classification: Uncertain significance for CACNA1C-related condition. Last evaluated: 2026-08-11. Review status: criteria provided, single submitter. Criteria: ACMG Guidelines, 2015. Collection method: clinical testing. Allele origin: germline.
Comment: The CACNA1C c.82G>A variant is predicted to result in the amino acid substitution p.Ala28Thr. This variant has been reported in individuals with long QT syndrome and was found to segregate with disease in one family (Wemhöner et al. 2015. PubMed ID: 25633834; Timothy et al. 2024. PubMed ID: 39580446). This variant has also been reported in a cohort of individuals with Brugada syndrome (Novelli et al. 2022. PubMed ID: 34999275). Functional studies suggested a gain-of-function effect (Wemhöner et al. 2015. PubMed ID: 25633834). This variant is reported in 0.0061% of alleles in individuals of Latino descent in gnomAD. At this time, the clinical significance of this variant is uncertain due to the absence of conclusive functional and genetic evidence.

GeneDx
Classification: Uncertain significance. Last evaluated: 2026-02-02. Review status: criteria provided, single submitter. Criteria: GeneDx Variant Classification Process June 2021. Collection method: clinical testing. Allele origin: germline.
Comment: In silico analysis supports that this missense variant has a deleterious effect on protein structure/function; This variant is associated with the following publications: (PMID: 36523353, 34999275, 39580446, 25633834)

Labcorp Genetics (formerly Invitae), Labcorp
Classification: Likely benign for Long QT syndrome. Last evaluated: 2025-12-19. Review status: criteria provided, single submitter. Criteria: Invitae Variant Classification Sherloc (09022015). Collection method: clinical testing. Allele origin: germline.

Ambry Genetics
Classification: Likely benign for Cardiovascular phenotype. Last evaluated: 2024-01-26. Review status: criteria provided, single submitter. Criteria: Ambry Variant Classification Scheme 2023. Collection method: clinical testing. Allele origin: germline.

Mayo Clinic Laboratories, Mayo Clinic
Classification: Uncertain significance. Last evaluated: 2023-09-29. Review status: criteria provided, single submitter. Criteria: ACMG Guidelines, 2015. Collection method: clinical testing. Allele origin: germline. Observed: 1 variant allele.
Comment: PP2, PP3, PS3_supporting, PS4_moderate

Fulgent Genetics
Classification: Uncertain significance for Timothy syndrome; Brugada syndrome 3; Long QT syndrome 8. Last evaluated: 2021-11-18. Review status: criteria provided, single submitter. Criteria: ACMG Guidelines, 2015. Collection method: clinical testing. Allele origin: unknown.

Literature cited by the submitters: PubMed 25633834 (cited by Ambry Genetics and Mayo Clinic Laboratories, Mayo Clinic); PubMed 34999275 (cited by Mayo Clinic Laboratories, Mayo Clinic).

NM_000719.7(CACNA1C):c.82G>A (p.Ala28Thr)

Gene: CACNA1C (calcium voltage-gated channel subunit alpha1 C; plus strand). Cytogenetic location: 12p13.33.
Variant type: single nucleotide variant.
Coding change: c.82G>A on transcript NM_000719.7 (MANE Select); coding-DNA position 82, G replaced by A.
Protein change: p.Ala28Thr; replaces alanine 28 with threonine.
Molecular consequence: missense variant.
Genome position (GRCh38, 1-based): chr12:2,115,256, G>A. VCF-style: chr12-2115256-G-A. GRCh37 (hg19) VCF-style: chr12-2224422-G-A.
Other names: p.Ala28Thr; c.82G>A, p.Ala28Thr (NM_001129827.2, NM_001129829.2, NM_001129830.3 and 19 more transcripts); short protein forms A28T.
Identifiers: ClinVar variation 1015055 (VCV001015055.13), dbSNP rs373687005, ClinGen allele CA6388386.